The following is an entry in ClinVar:

NM_014049.5(ACAD9):c.1406G>A (p.Arg469Gln)

Gene: ACAD9 (acyl-CoA dehydrogenase family member 9; plus strand). Cytogenetic location: 3q21.3.
Variant type: single nucleotide variant.
Coding change: c.1406G>A on transcript NM_014049.5 (MANE Select); coding-DNA position 1406, G replaced by A.
Protein change: p.Arg469Gln; replaces arginine 469 with glutamine.
Molecular consequence: missense variant. On other transcripts: non-coding transcript variant (1).
Genome position (GRCh38, 1-based): chr3:128,909,020, G>A. VCF-style: chr3-128909020-G-A. GRCh37 (hg19) VCF-style: chr3-128627863-G-A.
Other names: c.1406G>A (NM_014049.4); c.1037G>A, p.Arg346Gln (NM_001410805.1); short protein forms R346Q, R469Q.
Identifiers: ClinVar variation 2059476 (VCV002059476.2), dbSNP rs200824675, ClinGen allele CA2601537.
Genomic context (GRCh38, chr3:128,909,020, plus strand): 5'-GGACTTTCTGCAGTGAGCTTAAACAGGCCAAAGTGAGCACAGTCATGGATACCGTTGGCC[G>A]GAGGCTTCGGGACTCCCTGGGCCGAACTGTGGACCTGGGGCTGACAGGCAACCATGGAGT-3'
Protein context (NP_054768.2, residues 459-479): KVSTVMDTVG[Arg469Gln]RLRDSLGRTV

ClinVar aggregate classification (germline): Uncertain significance. Review status: criteria provided, multiple submitters, no conflicts (2 of 4 stars). 2 submissions from 2 submitters: Uncertain significance (2). Last evaluated 2026-02-12.

Conditions:
ACAD9-related disorder. Also called: ACAD9-related condition.

Allele frequency attached by ClinVar (database versions not stated): gnomAD 0.00001.
gnomAD v4.1: 28 of 1,614,046 alleles (0.0017%); highest among the groups gnomAD compares: East Asian, 0.0022%; no homozygotes.

Submissions (2):

PreventionGenetics, part of Exact Sciences
Classification: Uncertain significance for ACAD9-related condition. Last evaluated: 2026-02-12. Review status: criteria provided, single submitter. Criteria: ACMG Guidelines, 2015. Collection method: clinical testing. Allele origin: germline.
Comment: The ACAD9 c.1406G>A variant is predicted to result in the amino acid substitution p.Arg469Gln. To our knowledge, this variant has not been reported in the literature. An alternate nucleotide change affecting the same amino acid (c.1405C>T, p.Arg469Trp) has been observed in an individual with riboflavin responsive complex 1 deficiency (Gerards et al. 2011. PubMed ID: 20929961). This variant is reported in 0.0054% of alleles in individuals of East Asian descent in gnomAD. At this time, the clinical significance of this variant is uncertain due to the absence of conclusive functional and genetic evidence.

Labcorp Genetics (formerly Invitae), Labcorp
Classification: Uncertain significance. Last evaluated: 2022-03-24. Review status: criteria provided, single submitter. Criteria: Invitae Variant Classification Sherloc (09022015). Collection method: clinical testing. Allele origin: germline.
Comment: This sequence change replaces arginine, which is basic and polar, with glutamine, which is neutral and polar, at codon 469 of the ACAD9 protein (p.Arg469Gln). This variant is present in population databases (rs200824675, gnomAD 0.006%). This variant has not been reported in the literature in individuals affected with ACAD9-related conditions. Advanced modeling of protein sequence and biophysical properties (such as structural, functional, and spatial information, amino acid conservation, physicochemical variation, residue mobility, and thermodynamic stability) performed at Invitae indicates that this missense variant is not expected to disrupt ACAD9 protein function. In summary, the available evidence is currently insufficient to determine the role of this variant in disease. Therefore, it has been classified as a Variant of Uncertain Significance.